The following is an entry in ClinVar:

NM_001035.3(RYR2):c.5210C>G (p.Thr1737Ser)

Gene: RYR2 (ryanodine receptor 2; plus strand). Cytogenetic location: 1q43.
Variant type: single nucleotide variant.
Coding change: c.5210C>G on transcript NM_001035.3 (MANE Select); coding-DNA position 5210, C replaced by G.
Protein change: p.Thr1737Ser; replaces threonine 1737 with serine.
Molecular consequence: missense variant.
Genome position (GRCh38, 1-based): chr1:237,614,338, C>G. VCF-style: chr1-237614338-C-G. GRCh37 (hg19) VCF-style: chr1-237777638-C-G.
Other names: short protein forms T1737S.
Identifiers: ClinVar variation 1058854 (VCV001058854.10), dbSNP rs1172292367, ClinGen allele CA345404301.

ClinVar aggregate classification (germline): Uncertain significance (1 of 4 stars; one submission).

Conditions:
Catecholaminergic polymorphic ventricular tachycardia 1. Also called: VENTRICULAR TACHYCARDIA, CATECHOLAMINERGIC POLYMORPHIC, 1, WITH OR WITHOUT ATRIAL DYSFUNCTION AND/OR DILATED CARDIOMYOPATHY; RYR2-Related Catecholaminergic Polymorphic Ventricular Tachycardia; VENTRICULAR TACHYCARDIA, STRESS-INDUCED POLYMORPHIC 1. Identifiers: Orphanet 3286, MedGen C1631597, MONDO:0011484, OMIM 604772.

Submission:

Labcorp Genetics (formerly Invitae), Labcorp
Classification: Uncertain significance for Catecholaminergic polymorphic ventricular tachycardia 1. Last evaluated: 2020-10-11. Review status: criteria provided, single submitter. Criteria: Invitae Variant Classification Sherloc (09022015). Collection method: clinical testing. Allele origin: germline.
Comment: This sequence change replaces threonine with serine at codon 1737 of the RYR2 protein (p.Thr1737Ser). The threonine residue is highly conserved and there is a small physicochemical difference between threonine and serine. This variant is not present in population databases (ExAC no frequency). This variant has not been reported in the literature in individuals with RYR2-related conditions. Advanced modeling of protein sequence and biophysical properties (such as structural, functional, and spatial information, amino acid conservation, physicochemical variation, residue mobility, and thermodynamic stability) performed at Invitae indicates that this missense variant is not expected to disrupt RYR2 protein function. In summary, the available evidence is currently insufficient to determine the role of this variant in disease. Therefore, it has been classified as a Variant of Uncertain Significance.